The following is an entry in ClinVar:

NM_015650.4(TRAF3IP1):c.731A>C (p.Glu244Ala)

Gene: TRAF3IP1 (TRAF3 interacting protein 1; plus strand). Cytogenetic location: 2q37.3.
Variant type: single nucleotide variant.
Coding change: c.731A>C on transcript NM_015650.4 (MANE Select); coding-DNA position 731, A replaced by C.
Protein change: p.Glu244Ala; replaces glutamic acid 244 with alanine.
Molecular consequence: missense variant.
Genome position (GRCh38, 1-based): chr2:238,329,158, A>C. VCF-style: chr2-238329158-A-C. GRCh37 (hg19) VCF-style: chr2-239237799-A-C.
Other names: c.731A>C (NM_015650.3); c.731A>C, p.Glu244Ala (NM_001139490.1); short protein forms E244A.
Identifiers: ClinVar variation 1051645 (VCV001051645.6), dbSNP rs747007444, ClinGen allele CA2198123.

ClinVar aggregate classification (germline): Uncertain significance. Review status: criteria provided, multiple submitters, no conflicts (2 of 4 stars). 2 submissions from 2 submitters: Uncertain significance (2). Last evaluated 2024-11-15.

Conditions:
Inborn genetic diseases. Identifiers: MedGen C0950123, MeSH D030342.

Allele frequency attached by ClinVar (database versions not stated): gnomAD exomes 0.00001 and 0.00004; TOPMed 0.00004; gnomAD 0.00005.
gnomAD v4.1: 28 of 1,554,394 alleles (0.0018%); highest among the groups gnomAD compares: Admixed American, 0.039%; no homozygotes.

Submissions (2):

Ambry Genetics
Classification: Uncertain significance for Inborn genetic diseases. Last evaluated: 2024-11-15. Review status: criteria provided, single submitter. Criteria: Ambry Variant Classification Scheme 2023. Collection method: clinical testing. Allele origin: germline.

Labcorp Genetics (formerly Invitae), Labcorp
Classification: Uncertain significance. Last evaluated: 2023-12-06. Review status: criteria provided, single submitter. Criteria: Invitae Variant Classification Sherloc (09022015). Collection method: clinical testing. Allele origin: germline.
Comment: This sequence change replaces glutamic acid, which is acidic and polar, with alanine, which is neutral and non-polar, at codon 244 of the TRAF3IP1 protein (p.Glu244Ala). This variant is present in population databases (rs747007444, gnomAD 0.03%). This variant has not been reported in the literature in individuals affected with TRAF3IP1-related conditions. ClinVar contains an entry for this variant (Variation ID: 1051645). Advanced modeling of protein sequence and biophysical properties (such as structural, functional, and spatial information, amino acid conservation, physicochemical variation, residue mobility, and thermodynamic stability) performed at Invitae indicates that this missense variant is not expected to disrupt TRAF3IP1 protein function with a negative predictive value of 80%. In summary, the available evidence is currently insufficient to determine the role of this variant in disease. Therefore, it has been classified as a Variant of Uncertain Significance.